The following is an entry in ClinVar:

ClinVar aggregate classification (germline): Likely benign. Review status: criteria provided, multiple submitters, no conflicts (2 of 4 stars). 9 submissions from 9 submitters: Likely benign (5). 4 of the submissions do not count toward it. Last evaluated 2025-05-01.

Conditions:
Polycystic kidney disease, adult type (PKD1). Also called: POLYCYSTIC KIDNEY DISEASE, ADULT, TYPE I; Polycystic Kidney, Autosomal Dominant; POLYCYSTIC KIDNEY DISEASE 1 WITH OR WITHOUT POLYCYSTIC LIVER DISEASE; Polycystic Kidney Disease 1, Autosomal Dominant; Polycystic kidney disease 1; Polycystic kidney disease 1, severe. Identifiers: MedGen C3149841, MONDO:0008263, OMIM 173900.
PKD1-related disorder. Also called: PKD1-related condition.

Allele frequency attached by ClinVar (database versions not stated): 1000 Genomes Project 30x 0.00016; ESP Exome Variant Server 0.00016; gnomAD 0.00033; gnomAD exomes 0.00046 and 0.00059; ExAC 0.00047.
gnomAD v4.1: 885 of 1,580,882 alleles (0.056%); highest among the groups gnomAD compares: Non-Finnish European, 0.065%; no homozygotes.

Submissions (9):

CeGaT Center for Human Genetics Tuebingen
Classification: Likely benign. Last evaluated: 2025-05-01. Review status: criteria provided, single submitter. Criteria: CeGaT Center For Human Genetics Tuebingen Variant Classification Criteria Version 2. Collection method: clinical testing. Allele origin: germline. Affected: yes. Observed: 1 variant allele.
Comment: PKD1: BP4, BP7

Women's Health and Genetics/Laboratory Corporation of America, LabCorp
Classification: Likely benign. Last evaluated: 2025-04-25. Review status: criteria provided, single submitter. Criteria: LabCorp Variant Classification Summary - May 2015. Collection method: clinical testing. Allele origin: germline.

Blueprint Genetics
Classification: Likely benign. Last evaluated: 2024-07-01. Review status: criteria provided, single submitter. Criteria: ACMG Guidelines, 2015. Collection method: clinical testing. Allele origin: germline.

Fulgent Genetics
Classification: Likely benign for Polycystic kidney disease, adult type. Last evaluated: 2021-08-19. Review status: criteria provided, single submitter. Criteria: ACMG Guidelines, 2015. Collection method: clinical testing. Allele origin: unknown.

Breakthrough Genomics
Classification: Likely benign. Review status: criteria provided, single submitter. Criteria: ACMG Guidelines, 2015. Collection method: not provided. Allele origin: germline. Inheritance: Autosomal dominant inheritance. Affected: yes.

PreventionGenetics, part of Exact Sciences
Classification: Likely benign for PKD1-related condition. Last evaluated: 2020-02-20. Review status: no assertion criteria provided. Collection method: clinical testing. Allele origin: germline. Not counted in ClinVar's aggregate classification.
Comment: This variant is classified as likely benign based on ACMG/AMP sequence variant interpretation guidelines (Richards et al. 2015 PMID: 25741868, with internal and published modifications).

Clinical Genetics DNA and cytogenetics Diagnostics Lab, Erasmus MC, Erasmus Medical Center
Classification: Likely benign. Review status: no assertion criteria provided. Collection method: clinical testing. Allele origin: germline. Affected: yes. Study: VKGL Data-share Consensus. Not counted in ClinVar's aggregate classification.

Department of Pathology and Laboratory Medicine, Sinai Health System
Classification: Likely benign. Review status: no assertion criteria provided. Collection method: clinical testing. Allele origin: unknown. Affected: yes. Study: The Canadian Open Genetics Repository (COGR). Not counted in ClinVar's aggregate classification.
Comment: The PKD1 p.Thr2706Thr variant was not identified in the literature nor was it identified in the Clinvitae, ClinVar, GeneInsight COGR, MutDB, ADPKD Mutation Database, PKD1-LOVD, and PKD1-LOVD 3.0 databases. The variant was identified in the dbSNP database (rs375408086) as â€šÃ„ÃºNAâ€šÃ„Ã¹ and in the NHLBI GO Exome Sequencing Project in 2 of 8238 European American alleles, the Exome Aggregation Consortium database (March 14, 2016) in 8 of 17150 chromosomes (freq. 0.0005) in the following populations: European (Non-Finnish) in 5 of 6284 chromosomes (freq. 0.0008), South Asian in 2 of 7952 chromosomes (freq.0.0003), African in 1 of 1292 chromosomes (freq. 0.0008), increasing the likelihood this could be a low frequency benign variant. However we cannot be certain that data from control databases is specific to PKD1 and not from one of the six PKD1 pseudogenes. The p.Thr2706Thr variant is not expected to have clinical significance because it does not result in a change of amino acid and is not located in a known consensus splice site. The variant occurs outside of the splicing consensus sequence and 1 of 5 in silico or computational prediction software programs (SpliceSiteFinder, MaxEntScan, NNSPLICE, GeneSplicer, HumanSpliceFinder) predict a greater than 10% difference in splicing; this is not very predictive of pathogenicity. In summary, based on the above information, the clinical significance of this variant cannot be determined with certainty at this time although we would lean towards a more benign role for this variant. This variant is classified as likely benign.

Laboratory of Diagnostic Genome Analysis, Leiden University Medical Center (LUMC)
Classification: Likely benign. Review status: no assertion criteria provided. Collection method: clinical testing. Allele origin: germline. Affected: yes. Study: VKGL Data-share Consensus. Not counted in ClinVar's aggregate classification.

NM_001009944.3(PKD1):c.8118C>T (p.Thr2706=)

Gene: PKD1 (polycystin 1, transient receptor potential channel interacting; minus strand). Cytogenetic location: 16p13.3.
Variant type: single nucleotide variant.
Coding change: c.8118C>T on transcript NM_001009944.3 (MANE Select); coding-DNA position 8118, C replaced by T.
Protein change: p.Thr2706=; no amino-acid change (threonine 2706 retained).
Molecular consequence: synonymous variant.
Genome position (GRCh38, 1-based): chr16:2,104,541, G>A on the plus strand (C>T on the coding strand, the complement: PKD1 is on the minus strand). VCF-style: chr16-2104541-G-A. GRCh37 (hg19) VCF-style: chr16-2154542-G-A.
Other names: c.8118C>T, p.Thr2706= (NM_000296.4).
Identifiers: ClinVar variation 433986 (VCV000433986.21), dbSNP rs375408086, ClinGen allele CA7830717.